The following is an entry in ClinVar:

ClinVar aggregate classification (germline): Likely benign. Review status: criteria provided, multiple submitters, no conflicts (2 of 4 stars). 3 submissions from 3 submitters: Likely benign (3). Last evaluated 2026-09-01.

Allele frequency attached by ClinVar (database versions not stated): gnomAD 0.00028 and 0.00030; TOPMed 0.00028; ESP Exome Variant Server 0.00031; ExAC 0.00034; gnomAD exomes 0.00034 and 0.00057.

Submissions (3):

CeGaT Center for Human Genetics Tuebingen
Classification: Likely benign. Last evaluated: 2026-09-01. Review status: criteria provided, single submitter. Criteria: CeGaT Center For Human Genetics Tuebingen Variant Classification Criteria Version 2. Collection method: clinical testing. Allele origin: germline. Affected: yes. Observed: 1 variant allele.
Comment: GPIHBP1: BP4

Labcorp Genetics (formerly Invitae), Labcorp
Classification: Likely benign. Last evaluated: 2025-12-13. Review status: criteria provided, single submitter. Criteria: Invitae Variant Classification Sherloc (09022015). Collection method: clinical testing. Allele origin: germline.

Blueprint Genetics
Classification: Likely benign. Last evaluated: 2024-09-02. Review status: criteria provided, single submitter. Criteria: ACMG Guidelines, 2015. Collection method: clinical testing. Allele origin: germline.

NM_178172.6(GPIHBP1):c.296-8C>G

Gene: GPIHBP1 (glycosylphosphatidylinositol anchored high density lipoprotein binding protein 1; plus strand). Cytogenetic location: 8q24.3.
Variant type: single nucleotide variant.
Coding change: c.296-8C>G on transcript NM_178172.6 (MANE Select); 8 bases into the intron before coding-DNA position 296, C replaced by G.
Molecular consequence: intron variant.
Genome position (GRCh38, 1-based): chr8:143,215,251, C>G. VCF-style: chr8-143215251-C-G. GRCh37 (hg19) VCF-style: chr8-144297126-C-G.
Other names: c.296-8C>G (NM_001301772.2).
Identifiers: ClinVar variation 1534276 (VCV001534276.10), dbSNP rs375903045, ClinGen allele CA4907105.
Genomic context (GRCh38, chr8:143,215,251, plus strand): 5'-AGAGCCCTGCAGAGCCACCTCAGAGACCCCGCCCATCCTCAGCACTTGTTCCCCACTCCC[C>G]TTCCCAGAGTCAGGCCTCCTGACCACCCACTCCACGTGGTGCACAGACAGCTGCCAGCCC-3'